The following is an entry in ClinVar:

ClinVar aggregate classification (germline): Uncertain significance. Review status: criteria provided, multiple submitters, no conflicts (2 of 4 stars). 2 submissions from 2 submitters: Uncertain significance (2). Last evaluated 2024-10-13.

Conditions:
Inborn genetic diseases. Identifiers: MedGen C0950123, MeSH D030342.

Allele frequency attached by ClinVar (database versions not stated): gnomAD exomes 0.00003; ExAC 0.00004; ESP Exome Variant Server 0.00008.
gnomAD v4.1: 48 of 1,613,046 alleles (0.003%); highest among the groups gnomAD compares: South Asian, 0.0055%; no homozygotes.

Submissions (2):

Labcorp Genetics (formerly Invitae), Labcorp
Classification: Uncertain significance. Last evaluated: 2024-10-13. Review status: criteria provided, single submitter. Criteria: Invitae Variant Classification Sherloc (09022015). Collection method: clinical testing. Allele origin: germline.
Comment: This sequence change replaces arginine, which is basic and polar, with histidine, which is basic and polar, at codon 3156 of the SRCAP protein (p.Arg3156His). This variant is present in population databases (rs371418984, gnomAD 0.02%). This variant has not been reported in the literature in individuals affected with SRCAP-related conditions. ClinVar contains an entry for this variant (Variation ID: 2363798). Invitae Evidence Modeling of protein sequence and biophysical properties (such as structural, functional, and spatial information, amino acid conservation, physicochemical variation, residue mobility, and thermodynamic stability) indicates that this missense variant is not expected to disrupt SRCAP protein function with a negative predictive value of 80%. In summary, the available evidence is currently insufficient to determine the role of this variant in disease. Therefore, it has been classified as a Variant of Uncertain Significance.

Ambry Genetics
Classification: Uncertain significance for Inborn genetic diseases. Last evaluated: 2022-10-06. Review status: criteria provided, single submitter. Criteria: Ambry Variant Classification Scheme 2023. Collection method: clinical testing. Allele origin: germline.

NM_006662.3(SRCAP):c.9467G>A (p.Arg3156His)

Gene: SRCAP (Snf2 related CREBBP activator protein; plus strand). Cytogenetic location: 16p11.2.
Variant type: single nucleotide variant.
Coding change: c.9467G>A on transcript NM_006662.3 (MANE Select); coding-DNA position 9467, G replaced by A.
Protein change: p.Arg3156His; replaces arginine 3156 with histidine.
Molecular consequence: missense variant.
Genome position (GRCh38, 1-based): chr16:30,739,507, G>A. VCF-style: chr16-30739507-G-A. GRCh37 (hg19) VCF-style: chr16-30750828-G-A.
Other names: short protein forms R3156H.
Identifiers: ClinVar variation 2363798 (VCV002363798.4), dbSNP rs371418984, ClinGen allele CA8012927.